The following continues an entry in ClinVar:

NM_001927.4(DES):c.635G>A (p.Arg212Gln)

Gene: DES. ClinVar aggregate classification (germline): Conflicting classifications of pathogenicity. Uncertain significance (15); Benign (1); Likely benign (1).

Submissions 12 to 18 of 18:

Illumina Laboratory Services, Illumina
Classification: Uncertain significance for Dilated cardiomyopathy 1I. Last evaluated: 2018-01-12. Review status: criteria provided, single submitter. Criteria: ICSL Variant Classification Criteria 13 December 2019. Collection method: clinical testing. Allele origin: germline.

Illumina Laboratory Services, Illumina
Classification: Uncertain significance for Myofibrillar myopathy 1. Last evaluated: 2018-01-12. Review status: criteria provided, single submitter. Criteria: ICSL Variant Classification Criteria 13 December 2019. Collection method: clinical testing. Allele origin: germline.

Illumina Laboratory Services, Illumina
Classification: Benign for Neurogenic scapuloperoneal syndrome, Kaeser type. Last evaluated: 2018-01-12. Review status: criteria provided, single submitter. Criteria: ICSL Variant Classification Criteria 13 December 2019. Collection method: clinical testing. Allele origin: germline.
Comment: This variant was observed in the ICSL laboratory as part of a predisposition screen in an ostensibly healthy population. It had not been previously curated by ICSL or reported in the Human Gene Mutation Database (HGMD: prior to June 1st, 2018), and was therefore a candidate for classification through an automated scoring system. Utilizing variant allele frequency, disease prevalence and penetrance estimates, and inheritance mode, an automated score was calculated to assess if this variant is too frequent to cause the disease. Based on the score and internal cut-off values, a variant classified as benign is not then subjected to further curation. The score for this variant resulted in a classification of benign for this disease.

Genetic Services Laboratory, University of Chicago
Classification: Uncertain significance. Last evaluated: 2016-12-20. Review status: criteria provided, single submitter. Criteria: ACMG Guidelines, 2015. Collection method: clinical testing. Allele origin: germline. Affected: no.

Eurofins Ntd Llc (ga)
Classification: Uncertain significance. Last evaluated: 2015-10-06. Review status: criteria provided, single submitter. Criteria: EGL Classification Definitions 2015. Collection method: clinical testing. Allele origin: germline. Observed: 2 variant alleles, 2 heterozygotes.

Laboratory for Molecular Medicine, Mass General Brigham Personalized Medicine
Classification: Uncertain significance. Last evaluated: 2014-08-06. Review status: criteria provided, single submitter. Criteria: LMM Criteria. Collection method: clinical testing. Allele origin: germline. Observed: 1 variant allele.
Comment: The p.Arg212Gln variant in DES has not been previously reported in individuals w ith cardiomyopathy but has been identified in 18/66736 European chromosomes by t he Exome Aggregation Consortium (ExAC; dbSNP rs1 44261171). Computational prediction tools and conservation analysis suggest that this variant may impact the protein, though this information is not predictive enough to determine pathogenicity. In summary, the clinical significance of the p.Arg212Gln variant is uncertain.

Clinical Genetics DNA and cytogenetics Diagnostics Lab, Erasmus MC, Erasmus Medical Center
Classification: Uncertain significance. Review status: no assertion criteria provided. Collection method: clinical testing. Allele origin: germline. Affected: yes. Study: VKGL Data-share Consensus. Not counted in ClinVar's aggregate classification.

Literature cited by the submitters: PubMed 27930701 (cited by 3 submitters); PubMed 32880476 (cited by Labcorp Genetics (formerly Invitae), Labcorp and Women's Health and Genetics/Laboratory Corporation of America, LabCorp); PubMed 27697855 (cited by Ambry Genetics); PubMed 28798025 (cited by Ambry Genetics and Women's Health and Genetics/Laboratory Corporation of America, LabCorp); PubMed 29926427 (cited by Ambry Genetics); PubMed 30190612 (cited by Ambry Genetics and Women's Health and Genetics/Laboratory Corporation of America, LabCorp); PubMed 30847666 (cited by Ambry Genetics); PubMed 32142595 (cited by Ambry Genetics); PubMed 35026164 (cited by Ambry Genetics).